The following is an entry in ClinVar:

NM_032119.4(ADGRV1):c.18584T>C (p.Ile6195Thr)

Gene: ADGRV1 (adhesion G protein-coupled receptor V1; plus strand). Cytogenetic location: 5q14.3.
Variant type: single nucleotide variant.
Coding change: c.18584T>C on transcript NM_032119.4 (MANE Select); coding-DNA position 18584, T replaced by C.
Protein change: p.Ile6195Thr; replaces isoleucine 6195 with threonine.
Molecular consequence: missense variant. On other transcripts: non-coding transcript variant (1).
Genome position (GRCh38, 1-based): chr5:91,150,181, T>C. VCF-style: chr5-91150181-T-C. GRCh37 (hg19) VCF-style: chr5-90445998-T-C.
Other names: short protein forms I6195T.
Identifiers: ClinVar variation 1954647 (VCV001954647.5), dbSNP rs1308694963, ClinGen allele CA360432322.

ClinVar aggregate classification (germline): Uncertain significance (1 of 4 stars; one submission).

Allele frequency attached by ClinVar (database versions not stated): TOPMed below 0.00001; gnomAD 0.00001; gnomAD exomes 0.00001.
gnomAD v4.1: 8 of 1,593,670 alleles (0.0005%); highest among the groups gnomAD compares: Non-Finnish European, 0.00068%; no homozygotes.

Submission:

Labcorp Genetics (formerly Invitae), Labcorp
Classification: Uncertain significance. Last evaluated: 2024-10-26. Review status: criteria provided, single submitter. Criteria: Invitae Variant Classification Sherloc (09022015). Collection method: clinical testing. Allele origin: germline.
Comment: This sequence change replaces isoleucine, which is neutral and non-polar, with threonine, which is neutral and polar, at codon 6195 of the ADGRV1 protein (p.Ile6195Thr). This variant is present in population databases (no rsID available, gnomAD 0.007%). This variant has not been reported in the literature in individuals affected with ADGRV1-related conditions. ClinVar contains an entry for this variant (Variation ID: 1954647). An algorithm developed to predict the effect of missense changes on protein structure and function (PolyPhen-2) suggests that this variant is likely to be disruptive. In summary, the available evidence is currently insufficient to determine the role of this variant in disease. Therefore, it has been classified as a Variant of Uncertain Significance.